The following is an entry in ClinVar:

ClinVar aggregate classification (germline): Likely benign (1 of 4 stars; one submission).

Conditions:
Hereditary breast ovarian cancer syndrome. Also called: Hereditary breast and ovarian cancer; Hereditary breast and ovarian cancer syndrome (HBOC); Breast and ovarian cancer; Hereditary breast and/or ovarian cancer syndrome; BRCA1- and BRCA2-Associated Hereditary Breast and Ovarian Cancer; Hereditary breast and ovarian cancer syndrome. Identifiers: Orphanet 145, MedGen C0677776, MeSH D061325, MONDO:0003582. Disease mechanism: loss of function.

Submissions (2):

Labcorp Genetics (formerly Invitae), Labcorp
Classification: Likely benign for Hereditary breast ovarian cancer syndrome. Last evaluated: 2022-02-18. Review status: criteria provided, single submitter. Criteria: Invitae Variant Classification Sherloc (09022015). Collection method: clinical testing. Allele origin: germline.

Brotman Baty Institute, University of Washington
No classification provided (evidence only). Condition: Breast-ovarian cancer, familial 1. Review status: no classification provided. Collection method: in vitro. Allele origin: not applicable. Functional consequence: functionally_normal. Not counted in ClinVar's aggregate classification.
ClinVar note: "not provided" was previously submitted as the classification for the variant. However, the classification appeared to be based only on an observation of functional data so it was converted to no classification on 2025-07-30.

NM_007294.4(BRCA1):c.-8A>G

Gene: BRCA1 (BRCA1 DNA repair associated; minus strand). Cytogenetic location: 17q21.31.
Variant type: single nucleotide variant.
Coding change: c.-8A>G on transcript NM_007294.4 (MANE Select); 8 bases upstream of the start codon, A replaced by G.
Molecular consequence: 5 prime UTR variant. On other transcripts: non-coding transcript variant (1).
Genome position (GRCh38, 1-based): chr17:43,124,104, T>C on the plus strand (A>G on the coding strand, the complement: BRCA1 is on the minus strand). VCF-style: chr17-43124104-T-C. GRCh37 (hg19) VCF-style: chr17-41276121-T-C.
Other names: c.-196A>G (NM_001407571.1, NM_001407853.1, NM_001407879.1 and 42 more transcripts); c.-8A>G (NM_001407581.1, NM_001407582.1, NM_001407583.1 and 169 more transcripts); c.-265A>G (NM_001407694.1, NM_001407724.1, NM_001407727.1 and 11 more transcripts); c.-269A>G (NM_001407695.1, NM_001408465.1); c.-410A>G (NM_001407696.1); c.-294A>G (NM_001407697.1, NM_001407846.1, NM_001407920.1); c.-95A>G (NM_001407698.1, NM_001407732.1, NM_001407736.1 and 21 more transcripts); c.-268A>G (NM_001407725.1, NM_001407730.1, NM_001407734.1 and 22 more transcripts); and 8 more.
Identifiers: ClinVar variation 868663 (VCV000868663.8), dbSNP rs2055749162, ClinGen allele CA916081151.
Genomic context (GRCh38, chr17:43,124,104, plus strand): 5'-ATAGCATTAATGACATTTTGTACTTCTTCAACGCGAAGAGCAGATAAATCCATTTCTTTC[T>C]GTTCCAATGAACTTTAACACATTAGAAAAACATATATATATATCTTTTTAAAAGGTTTAT-3'